The following is an entry in ClinVar:

ClinVar aggregate classification (germline): Pathogenic. Review status: reviewed by expert panel (3 of 4 stars). 16 submissions from 16 submitters: Pathogenic (1). 15 of the submissions do not count toward it. Last evaluated 2016-09-08.

Conditions:
Hereditary cancer-predisposing syndrome. Also called: Hereditary Cancer Syndrome; Hereditary neoplastic syndrome; Neoplastic Syndromes, Hereditary; Tumor predisposition. Identifiers: Orphanet 140162, MedGen C0027672, MeSH D009386, MONDO:0015356.
Hereditary breast ovarian cancer syndrome. Also called: BRCA1- and BRCA2-Associated Hereditary Breast and Ovarian Cancer; Hereditary breast and ovarian cancer syndrome; Hereditary breast and ovarian cancer syndrome (HBOC); Breast and ovarian cancer; Hereditary breast and/or ovarian cancer syndrome; Hereditary breast and ovarian cancer. Identifiers: Orphanet 145, MedGen C0677776, MeSH D061325, MONDO:0003582. Disease mechanism: loss of function.
Breast-ovarian cancer, familial, susceptibility to, 1 (BROVCA1). Also called: BRCA1 Hereditary Breast and Ovarian Cancer; OVARIAN CANCER, SUSCEPTIBILITY TO. Identifiers: Orphanet 145, MedGen C2676676, MONDO:0011450, OMIM 604370. Disease mechanism: loss of function.

Allele frequency attached by ClinVar (database versions not stated): gnomAD 0.00001; TOPMed 0.00001; gnomAD exomes below 0.00001.

Submissions (16):

Evidence-based Network for the Interpretation of Germline Mutant Alleles (ENIGMA)
Classification: Pathogenic for Breast-ovarian cancer, familial, susceptibility to, 1. Last evaluated: 2016-09-08. Review status: reviewed by expert panel. Criteria: ENIGMA BRCA1/2 Classification Criteria (2015). Collection method: curation. Allele origin: germline.
Comment: Variant allele predicted to encode a truncated non-functional protein.

Labcorp Genetics (formerly Invitae), Labcorp
Classification: Pathogenic for Hereditary breast ovarian cancer syndrome. Last evaluated: 2025-10-14. Review status: criteria provided, single submitter. Criteria: Invitae Variant Classification Sherloc (09022015). Collection method: clinical testing. Allele origin: germline. Not counted in ClinVar's aggregate classification.
Comment: This sequence change creates a premature translational stop signal (p.Tyr1853*) in the BRCA1 gene. While this is not anticipated to result in nonsense mediated decay, it is expected to disrupt the last 11 amino acid(s) of the BRCA1 protein. This variant is not present in population databases (gnomAD no frequency). This premature translational stop signal has been observed in individual(s) with breast and/or ovarian cancer (PMID: 7894493, 20104584, 24504028). It has also been observed to segregate with disease in related individuals. This variant is also known as (c.5677insA, Y1853_L1854delinsX). ClinVar contains an entry for this variant (Variation ID: 55628). Algorithms developed to predict the effect of variants on gene product structure and function are not available or were not evaluated for this variant. Experimental studies have shown that this premature translational stop signal affects BRCA1 function (PMID: 10811118, 11739404, 12400015, 21922593). For these reasons, this variant has been classified as Pathogenic.

Ambry Genetics
Classification: Pathogenic for Hereditary cancer-predisposing syndrome. Last evaluated: 2024-10-10. Review status: criteria provided, single submitter. Criteria: Ambry Variant Classification Scheme 2023. Collection method: clinical testing. Allele origin: germline. Not counted in ClinVar's aggregate classification.
Comment: The c.5558dupA pathogenic mutation, located in coding exon 22 of the BRCA1 gene, results from a duplication of A at nucleotide position 5558, causing a translational frameshift with a predicted alternate stop codon (p.Y1853*). This alteration occurs at the 3' terminus of theBRCA1 gene, is not expected to trigger nonsense-mediated mRNA decay, and only impacts the last 11 amino acids of the protein. However, premature stop codons are typically deleterious in nature and the impacted region is critical for protein function (Ambry internal data). This mutation has been identified in multiple individuals with Hereditary Breast and Ovarian Cancer (HBOC) syndrome (Friedman et al. Nat. Genet. 1994 Dec;8(4):399-404; Borg et al. Hum. Mutat. 2010 Mar;31(3):E1200-40; Song H et al. Hum. Mol. Genet. 2014 Sep;23(17):4703-9; Tung N et al. Cancer, 2015 Jan;121:25-33), and has been shown to cause loss of function in functional assays (Hayes et al. Cancer Res. 2000 May;60(9):2411-8). Of note, this alteration is also designated as 5677insA in published literature. This variant is considered to be rare based on population cohorts in the Genome Aggregation Database (gnomAD). Based on the supporting evidence, this alteration is interpreted as a disease-causing mutation.

Quest Diagnostics Nichols Institute San Juan Capistrano
Classification: Pathogenic. Last evaluated: 2024-07-02. Review status: criteria provided, single submitter. Criteria: Quest Diagnostics criteria. Collection method: clinical testing. Allele origin: unknown. Not counted in ClinVar's aggregate classification.
Comment: The BRCA1 c.5558dup (p.Tyr1853*) variant alters the translational reading frame of the BRCA1 mRNA and causes the premature termination of BRCA1 protein synthesis. This variant has been reported in the published literature in individuals with breast cancer (PMID: 7894493 (1994), 25186627 (2015), 20104584 (2010)), ovarian cancer (PMID: 24504028 (2014)), and pancreatic cancer (PMID: 32073954 (2020)). Assessment of experimental evidence suggests this variant results in abnormal protein function (PMID: 10811118 (2000), 11739404 (2001), 12400015 (2002), 21922593 (2011)). This variant has not been reported in large, multi-ethnic general populations (Genome Aggregation Database). Based on the available information, this variant is classified as pathogenic.

Mayo Clinic Laboratories, Mayo Clinic
Classification: Pathogenic. Last evaluated: 2023-07-31. Review status: criteria provided, single submitter. Criteria: ACMG Guidelines, 2015. Collection method: clinical testing. Allele origin: germline. Observed: 1 variant allele. Not counted in ClinVar's aggregate classification.
Comment: PP4, PP5, PM2_moderate, PS4_moderate, PVS1_strong

Baylor Genetics
Classification: Pathogenic for Breast-ovarian cancer, familial, susceptibility to, 1. Last evaluated: 2023-01-19. Review status: criteria provided, single submitter. Criteria: ACMG Guidelines, 2015. Collection method: clinical testing. Allele origin: unknown. Not counted in ClinVar's aggregate classification.

Revvity Omics, Revvity
Classification: Pathogenic. Last evaluated: 2022-11-03. Review status: criteria provided, single submitter. Criteria: ACMG Guidelines, 2015. Collection method: clinical testing. Allele origin: germline. Not counted in ClinVar's aggregate classification.

GeneDx
Classification: Pathogenic. Last evaluated: 2022-10-20. Review status: criteria provided, single submitter. Criteria: GeneDx Variant Classification Process June 2021. Collection method: clinical testing. Allele origin: germline. Affected: yes. Not counted in ClinVar's aggregate classification.
Comment: Nonsense variant predicted to result in protein truncation in a gene for which loss-of-function is a known mechanism of disease; Not observed at significant frequency in large population cohorts (gnomAD); Truncating variants in this gene are considered pathogenic by a well-established clinical consortium and/or database; Also known as 5677dupA; This variant is associated with the following publications: (PMID: 21922593, 20104584, 7894493, 8942979, 14534301, 7795652, 27802165, 10811118, 12400015, 28392550, 25186627, 24728189, 18992264, 31013702, 24504028, 30787465, 30765603, 34439109, Levine[case report], 32322110, 33237286)

Women's Health and Genetics/Laboratory Corporation of America, LabCorp
Classification: Pathogenic for Hereditary breast ovarian cancer syndrome. Last evaluated: 2021-04-02. Review status: criteria provided, single submitter. Criteria: LabCorp Variant Classification Summary - May 2015. Collection method: clinical testing. Allele origin: germline. Not counted in ClinVar's aggregate classification.
Comment: Variant summary: BRCA1 c.5558dupA (p.Tyr1853X) results in a premature termination codon, predicted to cause a truncation of the encoded protein The variant was absent in 253430 control chromosomes (gnomAD). c.5558dupA has been reported in the literature in multiple individuals affected with Hereditary Breast and Ovarian Cancer Syndrome (example: Song_2014, Judkins_2005) and also has been found to co-segregate within a large affected family (Friedman_1994). These data indicate that the variant is very likely to be associated with disease. In functional studies, the variant has been found to reduce transcriptional activity (Carvalho_2007). Eight ClinVar submitters (evaluation after 2014) including an expert panel (ENIGMA) cite the variant as pathogenic. Based on the evidence outlined above, the variant was classified as pathogenic.

Color Diagnostics, LLC DBA Color Health
Classification: Pathogenic for Hereditary cancer-predisposing syndrome. Last evaluated: 2020-01-15. Review status: criteria provided, single submitter. Criteria: ACMG Guidelines, 2015. Collection method: clinical testing. Allele origin: germline. Not counted in ClinVar's aggregate classification.
Comment: This variant is located in the BRCA1 protein. Splice site prediction tools suggest that this variant may not impact RNA splicing. This variant has not been identified in the general population by the Genome Aggregation Database (gnomAD). Based on the available evidence, this variant is classified as Pathogenic.

Clinical Genetics and Genomics, Karolinska University Hospital
Classification: Pathogenic. Last evaluated: 2016-05-25. Review status: criteria provided, single submitter. Criteria: ACMG Guidelines, 2015. Collection method: clinical testing. Allele origin: germline. Affected: yes. Observed: 1 variant allele. Not counted in ClinVar's aggregate classification.

Counsyl
Classification: Pathogenic for Breast-ovarian cancer, familial, susceptibility to, 1. Last evaluated: 2016-04-07. Review status: no assertion criteria provided. Collection method: clinical testing. Allele origin: unknown. Not counted in ClinVar's aggregate classification.

Research Molecular Genetics Laboratory, Women's College Hospital, University of Toronto
Classification: Pathogenic for Hereditary breast ovarian cancer syndrome. Last evaluated: 2014-01-31. Review status: no assertion criteria provided. Collection method: research. Allele origin: germline. Affected: yes. Study: The Canadian Open Genetics Repository (COGR). Not counted in ClinVar's aggregate classification.

Sharing Clinical Reports Project (SCRP)
Classification: Pathogenic for Breast-ovarian cancer, familial 1. Last evaluated: 2012-05-01. Review status: no assertion criteria provided. Collection method: clinical testing. Allele origin: germline. Not counted in ClinVar's aggregate classification.

Breast Cancer Information Core (BIC) (BRCA1)
Classification: Pathogenic for Breast-ovarian cancer, familial 1. Last evaluated: 2002-05-29. Review status: no assertion criteria provided. Collection method: clinical testing. Allele origin: germline. Affected: yes. Observed: 12 variant alleles. Not counted in ClinVar's aggregate classification.

OMIM
Classification: Pathogenic for BREAST-OVARIAN CANCER, FAMILIAL, SUSCEPTIBILITY TO, 1. Last evaluated: 1994-12-01. Review status: no assertion criteria provided. Collection method: literature only. Allele origin: germline. Not counted in ClinVar's aggregate classification.

Literature cited by the submitters: PubMed 7894493 (cited by 7 submitters); PubMed 20104584 (cited by 5 submitters); PubMed 24504028 (cited by 4 submitters); PubMed 10811118 (cited by 4 submitters); PubMed 11739404 (cited by 3 submitters); PubMed 12400015 (cited by 3 submitters); PubMed 21922593 (cited by Labcorp Genetics (formerly Invitae), Labcorp and Quest Diagnostics Nichols Institute San Juan Capistrano); PubMed 24728189 (cited by 3 submitters); PubMed 25186627 (cited by 4 submitters); PubMed 29446198 (cited by Quest Diagnostics Nichols Institute San Juan Capistrano and Mayo Clinic Laboratories, Mayo Clinic); PubMed 32073954 (cited by Quest Diagnostics Nichols Institute San Juan Capistrano); PubMed 18992264 (cited by 3 submitters); PubMed 16267036 (cited by Women's Health and Genetics/Laboratory Corporation of America, LabCorp); PubMed 17308087 (cited by Women's Health and Genetics/Laboratory Corporation of America, LabCorp); PubMed 9738006 (cited by Counsyl).

NM_007294.4(BRCA1):c.5558dup (p.Tyr1853Ter)

Gene: BRCA1 (BRCA1 DNA repair associated; minus strand). Cytogenetic location: 17q21.31.
Variant type: Duplication.
Coding change: c.5558dup on transcript NM_007294.4 (MANE Select); coding-DNA position 5558, one base duplicated (A; older notation c.5558dupA).
Protein change: p.Tyr1853Ter; replaces tyrosine 1853 with a stop codon.
Molecular consequence: nonsense. On other transcripts: frameshift variant (350), 3 prime UTR variant (1), non-coding transcript variant (1).
Genome position (GRCh38, 1-based): chr17:43,045,712, T duplicated on the plus strand (A on the coding strand, the reverse complement: BRCA1 is on the minus strand). VCF-style (leftmost placement, unchanged base first): chr17-43045711-G-GT. GRCh37 (hg19) VCF-style: chr17-41197728-G-GT.
Other names: p.Tyr1853*; 5677insA; c.5558_5559insA (U14680.1); c.5558dupA (NM_007294.3); c.5414dup, p.Tyr1805Terfs (NM_001407742.1, NM_001407743.1, NM_001407744.1 and 18 more transcripts); c.5411dup, p.Tyr1804Terfs (NM_001407838.1, NM_001407839.1, NM_001407841.1 and 12 more transcripts); c.*72dup (NM_001407854.1, NM_001407858.1, NM_001407859.1 and 14 more transcripts); c.5357dup, p.Tyr1786Terfs (NM_001407862.1); and 80 more; short protein forms Y1853*, Y1806*, Y1874*, Y749*.
Identifiers: ClinVar variation 55628 (VCV000055628.34), dbSNP rs80357629, ClinGen allele CA003713.